The following is an entry in ClinVar:

ClinVar aggregate classification (germline): Uncertain significance (1 of 4 stars; one submission).

Conditions:
Familial hypobetalipoproteinemia 1. Also called: APOB-Related Familial Hypobetalipoproteinemia; Hypobetalipoproteinemia, normotriglyceridemic; Acanthocytosis with hypobetalipoproteinemia. Identifiers: MedGen C4551990, MONDO:0014252, OMIM 615558.
Hypercholesterolemia, autosomal dominant, type B (FHCL2). Also called: Familial Hypercholesterolemia Type B; APOLIPOPROTEIN B-100, FAMILIAL DEFECTIVE; APOLIPOPROTEIN B-100, FAMILIAL LIGAND-DEFECTIVE; HYPERCHOLESTEROLEMIA, FAMILIAL, DUE TO LIGAND-DEFECTIVE APOLIPOPROTEIN B; Familial hypercholesterolemia 2; Hyperlipoproteinemia Type IIb. Identifiers: MedGen C1704417, MONDO:0007751, OMIM 144010.

gnomAD v4.1: 1 of 1,614,226 alleles (0.000062%); no homozygotes.

Submission:

Labcorp Genetics (formerly Invitae), Labcorp
Classification: Uncertain significance for Familial hypobetalipoproteinemia 1; Hypercholesterolemia, autosomal dominant, type B. Last evaluated: 2021-05-31. Review status: criteria provided, single submitter. Criteria: Invitae Variant Classification Sherloc (09022015). Collection method: clinical testing. Allele origin: germline.
Comment: In summary, the available evidence is currently insufficient to determine the role of this variant in disease. Therefore, it has been classified as a Variant of Uncertain Significance. Algorithms developed to predict the effect of sequence changes on RNA splicing suggest that this variant may create or strengthen a splice site, but this prediction has not been confirmed by published transcriptional studies. Algorithms developed to predict the effect of missense changes on protein structure and function are either unavailable or do not agree on the potential impact of this missense change (SIFT: "Deleterious"; PolyPhen-2: "Possibly Damaging"; Align-GVGD: "Class C0"). This variant has not been reported in the literature in individuals with APOB-related conditions. This variant is not present in population databases (ExAC no frequency). This sequence change replaces leucine with valine at codon 846 of the APOB protein (p.Leu846Val). The leucine residue is moderately conserved and there is a small physicochemical difference between leucine and valine.

NM_000384.3(APOB):c.2536T>G (p.Leu846Val)

Gene: APOB (apolipoprotein B; minus strand). Cytogenetic location: 2p24.1.
Variant type: single nucleotide variant.
Coding change: c.2536T>G on transcript NM_000384.3 (MANE Select); coding-DNA position 2536, T replaced by G.
Protein change: p.Leu846Val; replaces leucine 846 with valine.
Molecular consequence: missense variant.
Genome position (GRCh38, 1-based): chr2:21,023,593, A>C on the plus strand (T>G on the coding strand, the complement: APOB is on the minus strand). VCF-style: chr2-21023593-A-C. GRCh37 (hg19) VCF-style: chr2-21246465-A-C.
Other names: short protein forms L846V.
Identifiers: ClinVar variation 1466153 (VCV001466153.8), dbSNP rs189880634, ClinGen allele CA346011066.
Genomic context (GRCh38, chr2:21,023,593, plus strand): 5'-CTTCCAGTTTTACTCCAGCCTTGGCTCCGGGAGCAATGACTCCAGATGAAGATATTTGCA[A>C]CTGTAATCCAGCTCCAGTGGGGAGTTCAAAGGCATTCTCCATGAAGATGTAGTGAAGAAA-3'
Protein context (NP_000375.3, residues 836-856): FELPTGAGLQ[Leu846Val]QISSSGVIAP